The following is an entry in ClinVar:

ClinVar aggregate classification (germline): Likely benign. Review status: criteria provided, multiple submitters, no conflicts (2 of 4 stars). 2 submissions from 2 submitters: Likely benign (2). Last evaluated 2026-01-18.

Submissions (2):

Labcorp Genetics (formerly Invitae), Labcorp
Classification: Likely benign. Last evaluated: 2026-01-18. Review status: criteria provided, single submitter. Criteria: Invitae Variant Classification Sherloc (09022015). Collection method: clinical testing. Allele origin: germline.

GeneDx
Classification: Likely benign. Last evaluated: 2017-09-05. Review status: criteria provided, single submitter. Criteria: GeneDx Variant Classification (06012015). Collection method: clinical testing. Allele origin: germline. Affected: yes.
Comment: This variant is considered likely benign or benign based on one or more of the following criteria: it is a conservative change, it occurs at a poorly conserved position in the protein, it is predicted to be benign by multiple in silico algorithms, and/or has population frequency not consistent with disease.

NM_005654.6(NR2F1):c.991+12del

Gene: NR2F1 (nuclear receptor subfamily 2 group F member 1; plus strand). Cytogenetic location: 5q15.
Variant type: Deletion.
Coding change: c.991+12del on transcript NM_005654.6 (MANE Select); 12 bases into the intron after coding-DNA position 991, one base deleted (G; older notation c.991+12delG).
Molecular consequence: intron variant.
Genome position (GRCh38, 1-based): chr5:93,588,456, G deleted; the last of 2 consecutive G bases (chr5:93,588,455-93,588,456); deleting either gives the same sequence. VCF-style (leftmost placement, unchanged base first): chr5-93588454-CG-C. GRCh37 (hg19) VCF-style: chr5-92924160-CG-C.
Other names: c.991+12delG (NM_005654.4).
Identifiers: ClinVar variation 511851 (VCV000511851.8), dbSNP rs774050994, ClinGen allele CA3343197.